The following is an entry in ClinVar:

ClinVar aggregate classification (germline): Likely benign. Review status: criteria provided, multiple submitters, no conflicts (2 of 4 stars). 2 submissions from 2 submitters: Likely benign (2). Last evaluated 2022-02-06.

Conditions:
Hereditary breast ovarian cancer syndrome. Also called: Hereditary breast and ovarian cancer syndrome (HBOC); Hereditary breast and ovarian cancer; BRCA1- and BRCA2-Associated Hereditary Breast and Ovarian Cancer; Breast and ovarian cancer; Hereditary breast and ovarian cancer syndrome; Hereditary breast and/or ovarian cancer syndrome. Identifiers: Orphanet 145, MedGen C0677776, MeSH D061325, MONDO:0003582. Disease mechanism: loss of function.
Hereditary cancer-predisposing syndrome. Also called: Hereditary neoplastic syndrome; Tumor predisposition; Hereditary Cancer Syndrome; Neoplastic Syndromes, Hereditary. Identifiers: Orphanet 140162, MedGen C0027672, MeSH D009386, MONDO:0015356.

Submissions (3):

Labcorp Genetics (formerly Invitae), Labcorp
Classification: Likely benign for Hereditary breast ovarian cancer syndrome. Last evaluated: 2022-02-06. Review status: criteria provided, single submitter. Criteria: Invitae Variant Classification Sherloc (09022015). Collection method: clinical testing. Allele origin: germline.

Color Diagnostics, LLC DBA Color Health
Classification: Likely benign for Hereditary cancer-predisposing syndrome. Last evaluated: 2017-10-27. Review status: criteria provided, single submitter. Criteria: ACMG Guidelines, 2015. Collection method: clinical testing. Allele origin: germline.

Brotman Baty Institute, University of Washington
No classification provided (evidence only). Condition: Breast-ovarian cancer, familial 1. Review status: no classification provided. Collection method: in vitro. Allele origin: not applicable. Functional consequence: functionally_normal. Not counted in ClinVar's aggregate classification.
ClinVar note: "not provided" was previously submitted as the classification for the variant. However, the classification appeared to be based only on an observation of functional data so it was converted to no classification on 2025-07-30.

NM_007294.4(BRCA1):c.81-18C>G

Gene: BRCA1 (BRCA1 DNA repair associated; minus strand). Cytogenetic location: 17q21.31.
Variant type: single nucleotide variant.
Coding change: c.81-18C>G on transcript NM_007294.4 (MANE Select); 18 bases into the intron before coding-DNA position 81, C replaced by G.
Molecular consequence: intron variant.
Genome position (GRCh38, 1-based): chr17:43,115,797, G>C on the plus strand (C>G on the coding strand, the complement: BRCA1 is on the minus strand). VCF-style: chr17-43115797-G-C. GRCh37 (hg19) VCF-style: chr17-41267814-G-C.
Other names: c.81-18C>G (NM_001407688.1, NM_001407940.1, NM_001407671.1 and 191 more transcripts); c.-224-18C>G (NM_001408492.1, NM_001407889.1, NM_001407900.1); c.-177-18C>G (NM_001408468.1, NM_001407842.1, NM_001407749.1 and 13 more transcripts); c.-181-18C>G (NM_001407695.1, NM_001408465.1); c.-61-18C>G (NM_001407846.1, NM_001408503.1, NM_001407943.1 and 47 more transcripts); c.-8+5761C>G (NM_001407726.1, NM_001407751.1); c.-108-18C>G (NM_001408513.1, NM_001407899.1, NM_001408507.1 and 52 more transcripts); c.-219+9474C>G (NM_001407966.1); and 10 more.
Identifiers: ClinVar variation 630720 (VCV000630720.10), dbSNP rs864622534, ClinGen allele CA913188871.